The following is an entry in ClinVar:

NM_000157.4(GBA1):c.1006A>T (p.Thr336Ser)

Genes: GBA1 (glucosylceramidase beta 1; minus strand), LOC106627981 (GBA recombination region; plus strand). Cytogenetic location: 1q22.
Variant type: single nucleotide variant.
Coding change: c.1006A>T on transcript NM_000157.4 (MANE Select); coding-DNA position 1006, A replaced by T.
Protein change: p.Thr336Ser; replaces threonine 336 with serine.
Molecular consequence: missense variant.
Genome position (GRCh38, 1-based): chr1:155,236,463, T>A on the plus strand (A>T on the coding strand, the complement: GBA1 is on the minus strand). VCF-style: chr1-155236463-T-A. GRCh37 (hg19) VCF-style: chr1-155206254-T-A.
Other names: c.1006A>T, p.Thr336Ser (NM_001005741.3, NM_001005742.3); c.745A>T, p.Thr249Ser (NM_001171811.2); c.859A>T, p.Thr287Ser (NM_001171812.2); short protein forms T249S, T287S, T336S.
Identifiers: ClinVar variation 1701111 (VCV001701111.31), dbSNP rs1553217322, ClinGen allele CA342718055.

ClinVar aggregate classification (germline): Uncertain significance (1 of 4 stars; one submission).

Allele frequency attached by ClinVar (database versions not stated): gnomAD exomes below 0.00001.
gnomAD v4.1: 4 of 1,613,618 alleles (0.00025%); highest among the groups gnomAD compares: Non-Finnish European, 0.00034%; no homozygotes.

Submission:

CeGaT Center for Human Genetics Tuebingen
Classification: Uncertain significance. Last evaluated: 2022-11-01. Review status: criteria provided, single submitter. Criteria: CeGaT Center For Human Genetics Tuebingen Variant Classification Criteria Version 2. Collection method: clinical testing. Allele origin: germline. Affected: yes. Observed: 4 variant alleles.
Comment: GBA1: PM2